The following is an entry in ClinVar:

ClinVar aggregate classification (germline): Uncertain significance (1 of 4 stars; one submission).

Conditions:
Cardiovascular phenotype. Identifiers: MedGen CN230736.
Hereditary cancer-predisposing syndrome. Also called: Tumor predisposition; Neoplastic Syndromes, Hereditary; Hereditary neoplastic syndrome; Hereditary Cancer Syndrome. Identifiers: Orphanet 140162, MedGen C0027672, MeSH D009386, MONDO:0015356.

Submission:

Ambry Genetics
Classification: Uncertain significance for Cardiovascular phenotype; Hereditary cancer-predisposing syndrome. Last evaluated: 2025-09-01. Review status: criteria provided, single submitter. Criteria: Ambry Variant Classification Scheme 2023. Collection method: clinical testing. Allele origin: germline.
Comment: The p.M202V variant (also known as c.604A>G), located in coding exon 7 of the LZTR1 gene, results from an A to G substitution at nucleotide position 604. The methionine at codon 202 is replaced by valine, an amino acid with highly similar properties. This amino acid position is conserved. In addition, the in silico prediction for this alteration is inconclusive. Based on the available evidence, the clinical significance of this variant remains unclear.

NM_006767.4(LZTR1):c.604A>G (p.Met202Val)

Gene: LZTR1 (leucine zipper like post translational regulator 1; plus strand). Cytogenetic location: 22q11.21.
Variant type: single nucleotide variant.
Coding change: c.604A>G on transcript NM_006767.4 (MANE Select); coding-DNA position 604, A replaced by G.
Protein change: p.Met202Val; replaces methionine 202 with valine.
Molecular consequence: missense variant.
Genome position (GRCh38, 1-based): chr22:20,989,635, A>G. VCF-style: chr22-20989635-A-G. GRCh37 (hg19) VCF-style: chr22-21343924-A-G.
Other names: short protein forms M202V.
Identifiers: ClinVar variation 4101949 (VCV004101949.1).